The following is an entry in ClinVar:

ClinVar aggregate classification (germline): Uncertain significance. Review status: criteria provided, multiple submitters, no conflicts (2 of 4 stars). 2 submissions from 2 submitters: Uncertain significance (2). Last evaluated 2025-09-04.

Allele frequency attached by ClinVar (database versions not stated): 1000 Genomes Project 30x 0.00016; ExAC 0.00018; 1000 Genomes Project 0.00020; ESP Exome Variant Server 0.00038; gnomAD 0.00042 and 0.00056; TOPMed 0.00086.
gnomAD v4.1: 897 of 1,614,120 alleles (0.056%); highest among the groups gnomAD compares: Non-Finnish European, 0.069%; 1 homozygote.

Submissions (2):

Labcorp Genetics (formerly Invitae), Labcorp
Classification: Uncertain significance. Last evaluated: 2025-09-04. Review status: criteria provided, single submitter. Criteria: Invitae Variant Classification Sherloc (09022015). Collection method: clinical testing. Allele origin: germline.
Comment: This sequence change replaces arginine, which is basic and polar, with lysine, which is basic and polar, at codon 2579 of the ANK3 protein (p.Arg2579Lys). This variant is present in population databases (rs61732397, gnomAD 0.04%). This variant has not been reported in the literature in individuals affected with ANK3-related conditions. ClinVar contains an entry for this variant (Variation ID: 252733). Invitae Evidence Modeling of protein sequence and biophysical properties (such as structural, functional, and spatial information, amino acid conservation, physicochemical variation, residue mobility, and thermodynamic stability) indicates that this missense variant is not expected to disrupt ANK3 protein function with a negative predictive value of 80%. In summary, the available evidence is currently insufficient to determine the role of this variant in disease. Therefore, it has been classified as a Variant of Uncertain Significance.

Genomic Diagnostic Laboratory, Division of Genomic Diagnostics, Children's Hospital of Philadelphia
Classification: Uncertain significance. Last evaluated: 2015-11-06. Review status: criteria provided, single submitter. Criteria: DGD Variant Analysis Guidelines. Collection method: clinical testing. Allele origin: unknown.

NM_020987.5(ANK3):c.7736G>A (p.Arg2579Lys)

Gene: ANK3 (ankyrin 3; minus strand). Cytogenetic location: 10q21.2.
Variant type: single nucleotide variant.
Coding change: c.7736G>A on transcript NM_020987.5 (MANE Select); coding-DNA position 7736, G replaced by A.
Protein change: p.Arg2579Lys; replaces arginine 2579 with lysine.
Molecular consequence: missense variant. On other transcripts: intron variant (4).
Genome position (GRCh38, 1-based): chr10:60,073,145, C>T on the plus strand (G>A on the coding strand, the complement: ANK3 is on the minus strand). VCF-style: chr10-60073145-C-T. GRCh37 (hg19) VCF-style: chr10-61832903-C-T.
Other names: c.4388-5136G>A (NM_001204403.2); c.4409-5136G>A (NM_001204404.2); c.4406-5136G>A (NM_001320874.2); c.1808-5136G>A (NM_001149.4); short protein forms R2579K.
Identifiers: ClinVar variation 252733 (VCV000252733.8), dbSNP rs61732397, ClinGen allele CA5511672.